The following is an entry in ClinVar:

NM_177438.3(DICER1):c.4913A>C (p.Glu1638Ala)

Gene: DICER1 (dicer 1, ribonuclease III; minus strand). Cytogenetic location: 14q32.13.
Variant type: single nucleotide variant.
Coding change: c.4913A>C on transcript NM_177438.3 (MANE Select); coding-DNA position 4913, A replaced by C.
Protein change: p.Glu1638Ala; replaces glutamic acid 1638 with alanine.
Molecular consequence: missense variant. On other transcripts: non-coding transcript variant (6).
Genome position (GRCh38, 1-based): chr14:95,096,007, T>G on the plus strand (A>C on the coding strand, the complement: DICER1 is on the minus strand). VCF-style: chr14-95096007-T-G. GRCh37 (hg19) VCF-style: chr14-95562344-T-G.
Other names: c.4913A>C, p.Glu1638Ala (NM_001395677.1, NM_001395678.1, NM_001395679.1 and 12 more transcripts); c.4631A>C, p.Glu1544Ala (NM_001395686.1); c.4508A>C, p.Glu1503Ala (NM_001395687.1, NM_001395688.1, NM_001395689.1 and 2 more transcripts); c.4346A>C, p.Glu1449Ala (NM_001395691.1); c.3230A>C, p.Glu1077Ala (NM_001395697.1); short protein forms E1077A, E1544A, E1503A, E1638A, E1449A.
Identifiers: ClinVar variation 4843072 (VCV004843072.1).
Genomic context (GRCh38, chr14:95,096,007, plus strand): 5'-GTTTTATCTGCATCTGGATGATCAAACATACATCTTGGTGGAATCTTCAAACAACCATAT[T>G]CCGAGTCTTTCAATACAGAAGAGCGTGAACTGGCCACAGAAGCAGCAGCACAGCTCACTG-3'
Protein context (NP_803187.1, residues 1628-1648): SSRSSVLKDS[Glu1638Ala]YGCLKIPPRC

ClinVar aggregate classification (germline): Uncertain significance (1 of 4 stars; one submission).

Conditions:
Hereditary cancer-predisposing syndrome. Also called: Neoplastic Syndromes, Hereditary; Tumor predisposition; Hereditary Cancer Syndrome; Hereditary neoplastic syndrome. Identifiers: Orphanet 140162, MedGen C0027672, MeSH D009386, MONDO:0015356.

gnomAD v4.1: 1 of 1,614,232 alleles (0.000062%); highest among the groups gnomAD compares: South Asian, 0.0011%; no homozygotes.

Submission:

Ambry Genetics
Classification: Uncertain significance for Hereditary cancer-predisposing syndrome. Last evaluated: 2025-12-21. Review status: criteria provided, single submitter. Criteria: Ambry Variant Classification Scheme 2023. Collection method: clinical testing. Allele origin: germline.
Comment: The p.E1638A variant (also known as c.4913A>C), located in coding exon 22 of the DICER1 gene, results from an A to C substitution at nucleotide position 4913. The glutamic acid at codon 1638 is replaced by alanine, an amino acid with dissimilar properties. This amino acid position is conserved. In addition, the in silico prediction for this alteration is inconclusive. Based on the available evidence, the clinical significance of this variant remains unclear.